The following is an entry in ClinVar:

ClinVar aggregate classification (germline): Benign. Review status: criteria provided, multiple submitters, no conflicts (2 of 4 stars). 2 submissions from 2 submitters: Benign (2). Last evaluated 2018-06-19.

Allele frequency attached by ClinVar (database versions not stated): gnomAD 0.01960 and 0.02093; TOPMed 0.02178; 1000 Genomes Project 0.02356; 1000 Genomes Project 30x 0.02436.
gnomAD v4.1: 5,104 of 1,185,132 alleles (0.43%); highest among the groups gnomAD compares: African/African-American, 6.7%; 180 homozygotes.

Submissions (2):

GeneDx
Classification: Benign. Last evaluated: 2018-06-19. Review status: criteria provided, single submitter. Criteria: GeneDx Variant Classification (06012015). Collection method: clinical testing. Allele origin: germline. Affected: yes.
Comment: This variant is considered likely benign or benign based on one or more of the following criteria: it is a conservative change, it occurs at a poorly conserved position in the protein, it is predicted to be benign by multiple in silico algorithms, and/or has population frequency not consistent with disease.

Breakthrough Genomics
Classification: Benign. Review status: criteria provided, single submitter. Criteria: ACMG Guidelines, 2015. Collection method: not provided. Allele origin: germline. Inheritance: Autosomal dominant inheritance. Affected: yes.

NM_000093.5(COL5A1):c.4644+129C>G

Genes: COL5A1 (collagen type V alpha 1 chain; plus strand), LOC101448202 (uncharacterized LOC101448202; minus strand). Cytogenetic location: 9q34.3.
Variant type: single nucleotide variant.
Coding change: c.4644+129C>G on transcript NM_000093.5 (MANE Select); 129 bases into the intron after coding-DNA position 4644, C replaced by G.
Molecular consequence: intron variant.
Genome position (GRCh38, 1-based): chr9:134,823,162, C>G. VCF-style: chr9-134823162-C-G. GRCh37 (hg19) VCF-style: chr9-137715008-C-G.
Other names: c.4644+129C>G (NM_001278074.1).
Identifiers: ClinVar variation 675735 (VCV000675735.2), dbSNP rs114653197, ClinGen allele CA201099273.